The following is an entry in ClinVar:

ClinVar aggregate classification (germline): Uncertain significance. Review status: criteria provided, multiple submitters, no conflicts (2 of 4 stars). 2 submissions from 2 submitters: Uncertain significance (2). Last evaluated 2022-09-02.

Conditions:
LAMA2-related muscular dystrophy (LAMA2-RD). Also called: Laminin alpha 2-related dystrophy. Identifiers: MedGen C5679788, MONDO:0100228.

Allele frequency attached by ClinVar (database versions not stated): TOPMed 0.00001.

Submissions (2):

Mayo Clinic Laboratories, Mayo Clinic
Classification: Uncertain significance. Last evaluated: 2022-09-02. Review status: criteria provided, single submitter. Criteria: ACMG Guidelines, 2015. Collection method: clinical testing. Allele origin: germline. Observed: 1 variant allele.
Comment: PP3, PM2

Labcorp Genetics (formerly Invitae), Labcorp
Classification: Uncertain significance for LAMA2-related muscular dystrophy. Last evaluated: 2022-07-01. Review status: criteria provided, single submitter. Criteria: Invitae Variant Classification Sherloc (09022015). Collection method: clinical testing. Allele origin: germline.
Comment: This sequence change replaces glycine, which is neutral and non-polar, with valine, which is neutral and non-polar, at codon 2845 of the LAMA2 protein (p.Gly2845Val). This variant is not present in population databases (gnomAD no frequency). This variant has not been reported in the literature in individuals affected with LAMA2-related conditions. Algorithms developed to predict the effect of missense changes on protein structure and function are either unavailable or do not agree on the potential impact of this missense change (SIFT: "Deleterious"; PolyPhen-2: "Probably Damaging"; Align-GVGD: "Class C0"). In summary, the available evidence is currently insufficient to determine the role of this variant in disease. Therefore, it has been classified as a Variant of Uncertain Significance.

NM_000426.4(LAMA2):c.8534G>T (p.Gly2845Val)

Gene: LAMA2 (laminin subunit alpha 2; plus strand). Cytogenetic location: 6q22.33.
Variant type: single nucleotide variant.
Coding change: c.8534G>T on transcript NM_000426.4 (MANE Select); coding-DNA position 8534, G replaced by T.
Protein change: p.Gly2845Val; replaces glycine 2845 with valine.
Molecular consequence: missense variant.
Genome position (GRCh38, 1-based): chr6:129,503,267, G>T. VCF-style: chr6-129503267-G-T. GRCh37 (hg19) VCF-style: chr6-129824412-G-T.
Other names: p.Gly2845Val; c.8522G>T, p.Gly2841Val (NM_001079823.2); short protein forms G2841V, G2845V.
Identifiers: ClinVar variation 2064255 (VCV002064255.2), dbSNP rs1785794004, ClinGen allele CA365634478.
Genomic context (GRCh38, chr6:129,503,267, plus strand): 5'-TCAGCTATGACTTGGGGAGTGGGGACACCCACACCATGATCCCCACCAAAATCAATGATG[G>T]CCAGTGGCACAAGGTAATAGTCCCCTGGATATTGGCAGTACCCTAAGGGAATTACTGAGT-3'
Protein context (NP_000417.3, residues 2835-2855): HTMIPTKIND[Gly2845Val]QWHKIKIMRS